The following is an entry in ClinVar:

NM_000093.5(COL5A1):c.3441C>A (p.Gly1147=)

Gene: COL5A1 (collagen type V alpha 1 chain; plus strand). Cytogenetic location: 9q34.3.
Variant type: single nucleotide variant.
Coding change: c.3441C>A on transcript NM_000093.5 (MANE Select); coding-DNA position 3441, C replaced by A.
Protein change: p.Gly1147=; no amino-acid change (glycine 1147 retained).
Molecular consequence: synonymous variant.
Genome position (GRCh38, 1-based): chr9:134,809,257, C>A. VCF-style: chr9-134809257-C-A. GRCh37 (hg19) VCF-style: chr9-137701103-C-A.
Other names: c.3441C>A, p.Gly1147= (NM_001278074.1).
Identifiers: ClinVar variation 507696 (VCV000507696.11), dbSNP rs755982747, ClinGen allele CA5319854.

ClinVar aggregate classification (germline): Likely benign. Review status: criteria provided, multiple submitters, no conflicts (2 of 4 stars). 4 submissions from 4 submitters: Likely benign (4). Last evaluated 2026-03-11.

Conditions:
Ehlers-Danlos syndrome, classic type, 1 (EDSCL1). Also called: EHLERS-DANLOS SYNDROME, GRAVIS TYPE; EHLERS-DANLOS SYNDROME, SEVERE CLASSIC TYPE; EDS I; Ehlers-Danlos Syndrome, Classic Type, COL5A1-Related; Ehlers-Danlos syndrome, type 1. Identifiers: MedGen C0268335, MONDO:0019567, OMIM 130000.
Familial thoracic aortic aneurysm and aortic dissection (TAAD). Also called: Thoracic aortic aneurysms and dissections. Identifiers: Orphanet 91387, MedGen C4707243, MONDO:0019625.

Allele frequency attached by ClinVar (database versions not stated): ExAC 0.00001; gnomAD 0.00001; TOPMed 0.00003.
gnomAD v4.1: 8 of 1,608,700 alleles (0.0005%); highest among the groups gnomAD compares: Admixed American, 0.012%; no homozygotes.

Submissions (4):

Ambry Genetics
Classification: Likely benign for Familial thoracic aortic aneurysm and aortic dissection. Last evaluated: 2026-03-11. Review status: criteria provided, single submitter. Criteria: Ambry Variant Classification Scheme 2023. Collection method: clinical testing. Allele origin: germline.

Women's Health and Genetics/Laboratory Corporation of America, LabCorp
Classification: Likely benign. Last evaluated: 2025-11-05. Review status: criteria provided, single submitter. Criteria: LabCorp Variant Classification Summary - May 2015. Collection method: clinical testing. Allele origin: germline.

Labcorp Genetics (formerly Invitae), Labcorp
Classification: Likely benign for Ehlers-Danlos syndrome, classic type, 1. Last evaluated: 2024-11-11. Review status: criteria provided, single submitter. Criteria: Invitae Variant Classification Sherloc (09022015). Collection method: clinical testing. Allele origin: germline.

GeneDx
Classification: Likely benign. Last evaluated: 2018-01-19. Review status: criteria provided, single submitter. Criteria: GeneDx Variant Classification (06012015). Collection method: clinical testing. Allele origin: germline. Affected: yes.
Comment: This variant is considered likely benign or benign based on one or more of the following criteria: it is a conservative change, it occurs at a poorly conserved position in the protein, it is predicted to be benign by multiple in silico algorithms, and/or has population frequency not consistent with disease.